The following is an entry in ClinVar:

NM_182961.4(SYNE1):c.16573-88T>C

Gene: SYNE1 (spectrin repeat containing nuclear envelope protein 1; minus strand). Cytogenetic location: 6q25.2.
Variant type: single nucleotide variant.
Coding change: c.16573-88T>C on transcript NM_182961.4 (MANE Select); 88 bases into the intron before coding-DNA position 16573, T replaced by C.
Molecular consequence: intron variant.
Genome position (GRCh38, 1-based): chr6:152,317,074, A>G on the plus strand (T>C on the coding strand, the complement: SYNE1 is on the minus strand). VCF-style: chr6-152317074-A-G. GRCh37 (hg19) VCF-style: chr6-152638209-A-G.
Other names: c.16360-88T>C (NM_033071.5).
Identifiers: ClinVar variation 670184 (VCV000670184.1), dbSNP rs1890100, ClinGen allele CA15426512.

ClinVar aggregate classification (germline): Benign (1 of 4 stars; one submission).

Allele frequency attached by ClinVar (database versions not stated): gnomAD exomes 0.72653; TOPMed 0.79582; 1000 Genomes Project 30x 0.85712; 1000 Genomes Project 0.85923.
gnomAD v4.1: 1,078,265 of 1,471,394 alleles (73%); highest among the groups gnomAD compares: East Asian, 97%; 399,928 homozygotes.

Submission:

GeneDx
Classification: Benign. Last evaluated: 2018-06-14. Review status: criteria provided, single submitter. Criteria: GeneDx Variant Classification (06012015). Collection method: clinical testing. Allele origin: germline. Affected: yes.
Comment: This variant is considered likely benign or benign based on one or more of the following criteria: it is a conservative change, it occurs at a poorly conserved position in the protein, it is predicted to be benign by multiple in silico algorithms, and/or has population frequency not consistent with disease.